The following is an entry in ClinVar:

ClinVar aggregate classification (germline): Likely pathogenic (1 of 4 stars; one submission).

Submission:

Labcorp Genetics (formerly Invitae), Labcorp
Classification: Likely pathogenic. Last evaluated: 2022-05-11. Review status: criteria provided, single submitter. Criteria: Invitae Variant Classification Sherloc (09022015). Collection method: clinical testing. Allele origin: germline.
Comment: This sequence change replaces histidine, which is basic and polar, with glutamine, which is neutral and polar, at codon 133 of the MYO7A protein (p.His133Gln). This variant is not present in population databases (gnomAD no frequency). This variant has not been reported in the literature in individuals affected with MYO7A-related conditions. Advanced modeling of protein sequence and biophysical properties (such as structural, functional, and spatial information, amino acid conservation, physicochemical variation, residue mobility, and thermodynamic stability) performed at Invitae indicates that this missense variant is expected to disrupt MYO7A protein function. This variant disrupts the p.His133 amino acid residue in MYO7A. Other variant(s) that disrupt this residue have been determined to be pathogenic (PMID: 26969326; Invitae). This suggests that this residue is clinically significant, and that variants that disrupt this residue are likely to be disease-causing. In summary, the currently available evidence indicates that the variant is pathogenic, but additional data are needed to prove that conclusively. Therefore, this variant has been classified as Likely Pathogenic.

Literature cited by the submitters: PubMed 26969326.

NM_000260.4(MYO7A):c.399C>G (p.His133Gln)

Gene: MYO7A (myosin VIIA; plus strand). Cytogenetic location: 11q13.5.
Variant type: single nucleotide variant.
Coding change: c.399C>G on transcript NM_000260.4 (MANE Select); coding-DNA position 399, C replaced by G.
Protein change: p.His133Gln; replaces histidine 133 with glutamine.
Molecular consequence: missense variant.
Genome position (GRCh38, 1-based): chr11:77,156,020, C>G. VCF-style: chr11-77156020-C-G. GRCh37 (hg19) VCF-style: chr11-76867066-C-G.
Other names: c.399C>G, p.His133Gln (NM_001127180.2); c.366C>G, p.His122Gln (NM_001369365.1); short protein forms H122Q, H133Q.
Identifiers: ClinVar variation 1992971 (VCV001992971.4), dbSNP rs782665405, ClinGen allele CA381931487.